The following is an entry in ClinVar:

NM_000350.3(ABCA4):c.458T>C (p.Ile153Thr)

Gene: ABCA4 (ATP binding cassette subfamily A member 4; minus strand). Cytogenetic location: 1p22.1.
Variant type: single nucleotide variant.
Coding change: c.458T>C on transcript NM_000350.3 (MANE Select); coding-DNA position 458, T replaced by C.
Protein change: p.Ile153Thr; replaces isoleucine 153 with threonine.
Molecular consequence: missense variant.
Genome position (GRCh38, 1-based): chr1:94,103,127, A>G on the plus strand (T>C on the coding strand, the complement: ABCA4 is on the minus strand). VCF-style: chr1-94103127-A-G. GRCh37 (hg19) VCF-style: chr1-94568683-A-G.
Other names: c.458T>C, p.Ile153Thr (NM_001425324.1); short protein forms I153T.
Identifiers: ClinVar variation 2092500 (VCV002092500.4), dbSNP rs755348328, ClinGen allele CA958828.

ClinVar aggregate classification (germline): Pathogenic (1 of 4 stars; one submission).

Allele frequency attached by ClinVar (database versions not stated): TOPMed below 0.00001; ExAC 0.00001; gnomAD 0.00001; gnomAD exomes 0.00001.
gnomAD v4.1: 5 of 1,613,952 alleles (0.00031%); highest among the groups gnomAD compares: Non-Finnish European, 0.00042%; no homozygotes.

Submission:

Labcorp Genetics (formerly Invitae), Labcorp
Classification: Pathogenic. Last evaluated: 2023-08-30. Review status: criteria provided, single submitter. Criteria: Invitae Variant Classification Sherloc (09022015). Collection method: clinical testing. Allele origin: germline.
Comment: For these reasons, this variant has been classified as Pathogenic. This variant disrupts the p.Ile153 amino acid residue in ABCA4. Other variant(s) that disrupt this residue have been determined to be pathogenic (PMID: 23755871). This suggests that this residue is clinically significant, and that variants that disrupt this residue are likely to be disease-causing. Advanced modeling of protein sequence and biophysical properties (such as structural, functional, and spatial information, amino acid conservation, physicochemical variation, residue mobility, and thermodynamic stability) performed at Invitae indicates that this missense variant is expected to disrupt ABCA4 protein function. ClinVar contains an entry for this variant (Variation ID: 2092500). This missense change has been observed in individual(s) with Stargardt disease (Invitae). This variant is present in population databases (rs755348328, gnomAD 0.0009%). This sequence change replaces isoleucine, which is neutral and non-polar, with threonine, which is neutral and polar, at codon 153 of the ABCA4 protein (p.Ile153Thr).

Literature cited by the submitters: PubMed 23755871.